The following is an entry in ClinVar:

NM_001127198.5(TMC6):c.1976_1984dup (p.Pro659_Phe661dup)

Gene: TMC6 (transmembrane channel like 6; minus strand). Cytogenetic location: 17q25.3.
Variant type: Duplication.
Coding change: c.1976_1984dup on transcript NM_001127198.5 (MANE Select); coding-DNA positions 1976 to 1984, 9 bases duplicated (CCGCCTTCC; older notation c.1976_1984dupCCGCCTTCC).
Protein change: p.Pro659_Phe661dup.
Molecular consequence: inframe insertion. On other transcripts: non-coding transcript variant (4).
Genome position (GRCh38, 1-based): chr17:78,117,839-78,117,847, GGAAGGCGG duplicated on the plus strand (CCGCCTTCC on the coding strand, the reverse complement: TMC6 is on the minus strand); duplicating any 9 consecutive bases within chr17:78,117,839-78,117,852 gives the same sequence; the c. name uses the placement nearest the transcript's 3' end. VCF-style (leftmost placement, unchanged base first): chr17-78117838-A-AGGAAGGCGG. GRCh37 (hg19) VCF-style: chr17-76113919-A-AGGAAGGCGG.
Other names: c.1976_1984dup, p.Pro659_Phe661dup (NM_001321185.1, NM_001374596.1, NM_001375353.1 and 2 more transcripts); c.1796_1804dup, p.Pro599_Phe601dup (NM_001374593.1, NM_001374594.1); c.1976_1984dupCCGCCTTCC (NM_007267.7).
Identifiers: ClinVar variation 568139 (VCV000568139.8), dbSNP rs1567986944, ClinGen allele CA891844338.

ClinVar aggregate classification (germline): Uncertain significance (1 of 4 stars; one submission).

Conditions:
Epidermodysplasia verruciformis. Identifiers: Orphanet 302, MedGen C0014522, MONDO:0009176.

Submission:

Labcorp Genetics (formerly Invitae), Labcorp
Classification: Uncertain significance for Epidermodysplasia verruciformis. Last evaluated: 2018-02-07. Review status: criteria provided, single submitter. Criteria: Invitae Variant Classification Sherloc (09022015). Collection method: clinical testing. Allele origin: germline.
Comment: This variant is not present in population databases (ExAC no frequency). This variant, c.1976_1984dupCCGCCTTCC, results in the insertion of 3 amino acids to the TMC6 protein (p.Pro659_Phe661dup), but otherwise preserves the integrity of the reading frame. This variant has not been reported in the literature in individuals with TMC6-related disease. Experimental studies and prediction algorithms are not available for this variant, and the functional significance of the duplicated amino acids is currently unknown. In summary, the available evidence is currently insufficient to determine the role of this variant in disease. Therefore, it has been classified as a Variant of Uncertain Significance.